The following is an entry in ClinVar:

ClinVar aggregate classification (germline): Uncertain significance (1 of 4 stars; one submission).

Submission:

Labcorp Genetics (formerly Invitae), Labcorp
Classification: Uncertain significance. Last evaluated: 2023-06-04. Review status: criteria provided, single submitter. Criteria: Invitae Variant Classification Sherloc (09022015). Collection method: clinical testing. Allele origin: unknown.
Comment: In summary, the available evidence is currently insufficient to determine the role of this variant in disease. Therefore, it has been classified as a Variant of Uncertain Significance. This variant has not been reported in the literature in individuals affected with CACNA1E-related conditions. A copy number gain of the genomic region encompassing the full coding sequence of the CACNA1E gene has been identified. The boundaries of this event are unknown as they extend beyond the assayed region for this gene and therefore may encompass additional genes. As the precise location of this event is unknown, it may be in tandem or it may be located elsewhere in the genome.

NC_000001.10:g.(?_181452881)_(181769287_?)dup

Gene: CACNA1E (calcium voltage-gated channel subunit alpha1 E; plus strand). Cytogenetic location: 1q25.3.
Variant type: Duplication.
Identifiers: ClinVar variation 3247902 (VCV003247902.1).